The following is an entry in ClinVar:

ClinVar aggregate classification (germline): Uncertain significance (1 of 4 stars; one submission).

Conditions:
Hypertrophic cardiomyopathy. Also called: HYPERTROPHIC MYOCARDIOPATHY. Identifiers: Orphanet 217569, MedGen C0007194, MeSH D002312, MONDO:0005045, HP:0001639.

Submission:

All of Us Research Program, National Institutes of Health
Classification: Uncertain significance for Hypertrophic cardiomyopathy. Last evaluated: 2024-09-23. Review status: criteria provided, single submitter. Criteria: ACMG Guidelines, 2015. Collection method: clinical testing. Allele origin: germline. Inheritance: Autosomal dominant inheritance. Observed: 1 variant allele, 1 heterozygote.
Comment: This study involves interpretation of variants in research participants for the purpose of population health screening. Participant phenotype was not available at the time of variant classification. Additional details can be found in publication PMID: 35346344, PMCID: PMC8962531

NM_016203.4(PRKAG2):c.772A>G (p.Ser258Gly)

Gene: PRKAG2 (protein kinase AMP-activated non-catalytic subunit gamma 2; minus strand). Cytogenetic location: 7q36.1.
Variant type: single nucleotide variant.
Coding change: c.772A>G on transcript NM_016203.4 (MANE Select); coding-DNA position 772, A replaced by G.
Protein change: p.Ser258Gly; replaces serine 258 with glycine.
Molecular consequence: missense variant.
Genome position (GRCh38, 1-based): chr7:151,595,437, T>C on the plus strand (A>G on the coding strand, the complement: PRKAG2 is on the minus strand). VCF-style: chr7-151595437-T-C. GRCh37 (hg19) VCF-style: chr7-151292523-T-C.
Other names: c.640A>G, p.Ser214Gly (NM_001040633.2, NM_001407024.1); c.397A>G, p.Ser133Gly (NM_001304527.2, NM_001407029.1); c.49A>G, p.Ser17Gly (NM_001304531.2, NM_001407034.1, NM_001407035.1 and 1 more transcripts); c.400A>G, p.Ser134Gly (NM_001363698.2, NM_001407028.1); c.772A>G, p.Ser258Gly (NM_001407021.1); c.769A>G, p.Ser257Gly (NM_001407022.1, NM_001407023.1); c.637A>G, p.Ser213Gly (NM_001407026.1, NM_001407027.1); c.484A>G, p.Ser162Gly (NM_001407030.1); and 6 more; short protein forms S133G, S134G, S150G, S152G, S161G, S162G, S16G, S17G.
Identifiers: ClinVar variation 3387532 (VCV003387532.1).
Genomic context (GRCh38, chr7:151,595,437, plus strand): 5'-AACTGGTTGGAACGATGTCATAACACTTGTGTGACCTCATGAATCGCATGTAAACACCAC[T>C]TTCTGAGTCTTCTACTGCTAAAAGAAAAAAAGGCAAAACATCAGTAATAATAAAGAATTC-3'
Protein context (NP_057287.2, residues 248-268): FEDEAVEDSE[Ser258Gly]GVYMRFMRSH